The following is an entry in ClinVar:

ClinVar aggregate classification (germline): Uncertain significance. Review status: criteria provided, multiple submitters, no conflicts (2 of 4 stars). 2 submissions from 2 submitters: Uncertain significance (2). Last evaluated 2024-01-31.

Conditions:
Hereditary cancer-predisposing syndrome. Also called: Neoplastic Syndromes, Hereditary; Hereditary Cancer Syndrome; Tumor predisposition; Hereditary neoplastic syndrome. Identifiers: Orphanet 140162, MedGen C0027672, MeSH D009386, MONDO:0015356.
Ataxia-telangiectasia syndrome (AT). Also called: LOUIS-BAR SYNDROME; Cerebello-oculocutaneous telangiectasia; Immunodeficiency with ataxia telangiectasia; Ataxia-telangiectasia, complementation group D; AT, COMPLEMENTATION GROUP C; Ataxia-telangiectasia, complementation group E. Identifiers: Orphanet 100, MedGen C0004135, MONDO:0008840, OMIM 208900.

Allele frequency attached by ClinVar (database versions not stated): ExAC 0.00001; gnomAD exomes below 0.00001.
gnomAD v4.1: 2 of 1,613,832 alleles (0.00012%); highest among the groups gnomAD compares: South Asian, 0.0011%; no homozygotes.

Submissions (2):

Labcorp Genetics (formerly Invitae), Labcorp
Classification: Uncertain significance for Ataxia-telangiectasia syndrome. Last evaluated: 2024-01-31. Review status: criteria provided, single submitter. Criteria: Invitae Variant Classification Sherloc (09022015). Collection method: clinical testing. Allele origin: germline.
Comment: This sequence change replaces leucine, which is neutral and non-polar, with phenylalanine, which is neutral and non-polar, at codon 2332 of the ATM protein (p.Leu2332Phe). This variant is not present in population databases (gnomAD no frequency). This variant has not been reported in the literature in individuals affected with ATM-related conditions. ClinVar contains an entry for this variant (Variation ID: 479026). An algorithm developed to predict the effect of missense changes on protein structure and function (PolyPhen-2) suggests that this variant is likely to be tolerated. In summary, the available evidence is currently insufficient to determine the role of this variant in disease. Therefore, it has been classified as a Variant of Uncertain Significance.

Ambry Genetics
Classification: Uncertain significance for Hereditary cancer-predisposing syndrome. Last evaluated: 2018-04-16. Review status: criteria provided, single submitter. Criteria: Ambry Variant Classification Scheme 2023. Collection method: clinical testing. Allele origin: germline.
Comment: The p.L2332F variant (also known as c.6994C>T), located in coding exon 47 of the ATM gene, results from a C to T substitution at nucleotide position 6994. The leucine at codon 2332 is replaced by phenylalanine, an amino acid with highly similar properties. This amino acid position is well conserved in available vertebrate species. In addition, this alteration is predicted to be tolerated by in silico analysis. Since supporting evidence is limited at this time, the clinical significance of this alteration remains unclear.

NM_000051.4(ATM):c.6994C>T (p.Leu2332Phe)

Genes: ATM (ATM serine/threonine kinase; plus strand), C11orf65 (chromosome 11 open reading frame 65; minus strand). Cytogenetic location: 11q22.3.
Variant type: single nucleotide variant.
Coding change: c.6994C>T on transcript NM_000051.4 (MANE Select); coding-DNA position 6994, C replaced by T.
Protein change: p.Leu2332Phe; replaces leucine 2332 with phenylalanine.
Molecular consequence: missense variant. On other transcripts: intron variant (2).
Genome position (GRCh38, 1-based): chr11:108,327,663, C>T. VCF-style: chr11-108327663-C-T. GRCh37 (hg19) VCF-style: chr11-108198390-C-T.
Other names: c.6994C>T, p.Leu2332Phe (NM_001351834.2); c.641-18592G>A (NM_001330368.2); c.*38+7557G>A (NM_001351110.2); short protein forms L2332F.
Identifiers: ClinVar variation 479026 (VCV000479026.13), dbSNP rs762427092, ClinGen allele CA6266052.
Genomic context (GRCh38, chr11:108,327,663, plus strand): 5'-TGGTAATGCATTATATTTTAAGATTTTGCCTTTCTTATACAGAACAATCCCAGCCTAAAA[C>T]TTACATACACAGAATGTCTGAGGGTTTGTGGCAACTGGTTAGCAGAAACGTGCTTAGAAA-3'
Protein context (NP_000042.3, residues 2322-2342): SCAANNPSLK[Leu2332Phe]TYTECLRVCG